The following is an entry in ClinVar:

ClinVar aggregate classification (germline): Uncertain significance (1 of 4 stars; one submission).

Conditions:
Developmental and epileptic encephalopathy 94 (DEE94). Also called: CHD2-Related Neurodevelopmental Disorders; Epileptic encephalopathy, childhood-onset. Identifiers: Orphanet 1942, Orphanet 2382, MedGen C3809278, MONDO:0014150, OMIM 615369.

Submission:

Labcorp Genetics (formerly Invitae), Labcorp
Classification: Uncertain significance for Developmental and epileptic encephalopathy 94. Last evaluated: 2023-01-02. Review status: criteria provided, single submitter. Criteria: Invitae Variant Classification Sherloc (09022015). Collection method: clinical testing. Allele origin: germline.
Comment: In summary, the available evidence is currently insufficient to determine the role of this variant in disease. Therefore, it has been classified as a Variant of Uncertain Significance. Advanced modeling of protein sequence and biophysical properties (such as structural, functional, and spatial information, amino acid conservation, physicochemical variation, residue mobility, and thermodynamic stability) performed at Invitae indicates that this missense variant is expected to disrupt CHD2 protein function. This variant has not been reported in the literature in individuals affected with CHD2-related conditions. This variant is not present in population databases (gnomAD no frequency). This sequence change replaces glycine, which is neutral and non-polar, with arginine, which is basic and polar, at codon 873 of the CHD2 protein (p.Gly873Arg).

NM_001271.4(CHD2):c.2617G>A (p.Gly873Arg)

Gene: CHD2 (chromodomain helicase DNA binding protein 2; plus strand). Cytogenetic location: 15q26.1.
Variant type: single nucleotide variant.
Coding change: c.2617G>A on transcript NM_001271.4 (MANE Select); coding-DNA position 2617, G replaced by A.
Protein change: p.Gly873Arg; replaces glycine 873 with arginine.
Molecular consequence: missense variant.
Genome position (GRCh38, 1-based): chr15:92,978,273, G>A. VCF-style: chr15-92978273-G-A. GRCh37 (hg19) VCF-style: chr15-93521503-G-A.
Other names: short protein forms G873R.
Identifiers: ClinVar variation 2825932 (VCV002825932.3), dbSNP rs2505543188, ClinGen allele CA393893727.
Genomic context (GRCh38, chr15:92,978,273, plus strand): 5'-AGTATATTGCATTGTGTACAGGACTTCTGTTTCCTGCTCTCGACAAGGGCTGGTGGCCTG[G>A]GAATCAATTTGGCTTCAGCGGACACAGTCGTCATCTTTGACTCTGACTGGAACCCCCAGA-3'
Protein context (NP_001262.3, residues 863-883): FLLSTRAGGL[Gly873Arg]INLASADTVV